The following is an entry in ClinVar:

ClinVar aggregate classification (germline): Uncertain significance (1 of 4 stars; one submission).

Allele frequency attached by ClinVar (database versions not stated): gnomAD exomes below 0.00001; gnomAD 0.00001; TOPMed 0.00004.
gnomAD v4.1: 3 of 1,612,666 alleles (0.00019%); highest among the groups gnomAD compares: Admixed American, 0.005%; no homozygotes.

Submission:

Labcorp Genetics (formerly Invitae), Labcorp
Classification: Uncertain significance. Last evaluated: 2023-11-20. Review status: criteria provided, single submitter. Criteria: Invitae Variant Classification Sherloc (09022015). Collection method: clinical testing. Allele origin: germline.
Comment: This sequence change falls in intron 11 of the TRAPPC12 gene. It does not directly change the encoded amino acid sequence of the TRAPPC12 protein. It affects a nucleotide within the consensus splice site. This variant is present in population databases (no rsID available, gnomAD 0.003%). This variant has not been reported in the literature in individuals affected with TRAPPC12-related conditions. Variants that disrupt the consensus splice site are a relatively common cause of aberrant splicing (PMID: 17576681, 9536098). Algorithms developed to predict the effect of sequence changes on RNA splicing suggest that this variant is not likely to affect RNA splicing. In summary, the available evidence is currently insufficient to determine the role of this variant in disease. Therefore, it has been classified as a Variant of Uncertain Significance.

Literature cited by the submitters: PubMed 17576681; PubMed 9536098.

NM_016030.6(TRAPPC12):c.1966-3T>C

Genes: TRAPPC12 (trafficking protein particle complex subunit 12; plus strand), TRAPPC12-AS1 (TRAPPC12 antisense RNA 1; minus strand). Cytogenetic location: 2p25.3.
Variant type: single nucleotide variant.
Coding change: c.1966-3T>C on transcript NM_016030.6 (MANE Select); 3 bases into the intron before coding-DNA position 1966, T replaced by C.
Molecular consequence: intron variant. On other transcripts: non-coding transcript variant (1).
Genome position (GRCh38, 1-based): chr2:3,479,216, T>C. VCF-style: chr2-3479216-T-C. GRCh37 (hg19) VCF-style: chr2-3482987-T-C.
Other names: c.1966-3T>C (NM_001321102.2).
Identifiers: ClinVar variation 2905589 (VCV002905589.1), dbSNP rs1423252516, ClinGen allele CA530847493.